The following is an entry in ClinVar:

ClinVar aggregate classification (germline): Uncertain significance (1 of 4 stars; one submission).

Conditions:
Hypertrophic cardiomyopathy. Also called: HYPERTROPHIC MYOCARDIOPATHY. Identifiers: Orphanet 217569, MedGen C0007194, MeSH D002312, MONDO:0005045, HP:0001639.

Allele frequency attached by ClinVar (database versions not stated): gnomAD exomes 0.00001.

Submission:

All of Us Research Program, National Institutes of Health
Classification: Uncertain significance for Hypertrophic cardiomyopathy. Last evaluated: 2023-08-15. Review status: criteria provided, single submitter. Criteria: ACMG Guidelines, 2015. Collection method: clinical testing. Allele origin: germline. Inheritance: Autosomal dominant inheritance. Observed: 1 variant allele, 1 heterozygote.
Comment: This variant deletes 17 nucleotides in exon 5 of the MYL3 gene, creating a frameshift and premature translation stop signal in the penultimate coding exon. This mutant transcript is predicted to escape nonsense-mediated decay and be expressed as a truncated protein. To our knowledge, this variant has not been reported in individuals affected with MYL3-related disorders in the literature. This variant has not been identified in the general population by the Genome Aggregation Database (gnomAD). The available evidence is insufficient to determine the role of this variant in disease conclusively. Therefore, this variant is classified as a Variant of Uncertain Significance.

This study involves interpretation of variants in research participants for the purpose of population health screening. Participant phenotype was not available at the time of variant classification. Additional details can be found in publication PMID: 35346344, PMCID: PMC8962531

NM_000258.3(MYL3):c.485_501del (p.Glu162fs)

Gene: MYL3 (myosin light chain 3; minus strand). Cytogenetic location: 3p21.31.
Variant type: Deletion.
Coding change: c.485_501del on transcript NM_000258.3 (MANE Select); coding-DNA positions 485 to 501, 17 bases deleted (AGAGGCTGACAGAAGAC).
Protein change: p.Glu162fs; shifts the reading frame from glutamic acid 162.
Molecular consequence: frameshift variant. On other transcripts: splice acceptor variant (1).
Genome position (GRCh38, 1-based): chr3:46,858,442-46,858,458, GTCTTCTGTCAGCCTCT deleted on the plus strand (AGAGGCTGACAGAAGAC on the coding strand, the reverse complement: MYL3 is on the minus strand). VCF-style (leftmost placement, unchanged base first): chr3-46858441-CGTCTTCTGTCAGCCTCT-C. GRCh37 (hg19) VCF-style: chr3-46899931-CGTCTTCTGTCAGCCTCT-C.
Other names: c.485_501del, p.Glu162fs (NM_001406937.1, NM_001406938.1, NM_001406939.1); c.311_327del, p.Glu104fs (NM_001406940.1); c.308-12_312del (NM_001406941.1); short protein forms E104fs, E162fs.
Identifiers: ClinVar variation 3072684 (VCV003072684.1), dbSNP rs2544963125, ClinGen allele CA2665478261.